The following is an entry in ClinVar:

ClinVar aggregate classification (germline): Benign/Likely benign. Review status: criteria provided, multiple submitters, no conflicts (2 of 4 stars). 4 submissions from 4 submitters: Benign (2); Likely benign (2). Last evaluated 2026-02-02.

Conditions:
Familial hemophagocytic lymphohistiocytosis 3 (FHL3). Also called: UNC13D-Related Familial Hemophagocytic Lymphohistiocytosis (UNC13D-fHLH). Identifiers: Orphanet 540, MedGen C1837174, MONDO:0012146, OMIM 608898.

Allele frequency attached by ClinVar (database versions not stated): gnomAD exomes 0.00741; TOPMed 0.00812; 1000 Genomes Project 0.00899; 1000 Genomes Project 30x 0.00937; ESP Exome Variant Server 0.00939; ExAC 0.00941.
gnomAD v4.1: 9,396 of 1,592,864 alleles (0.59%); highest among the groups gnomAD compares: African/African-American, 1.5%; 64 homozygotes.

Submissions (4):

Labcorp Genetics (formerly Invitae), Labcorp
Classification: Benign for Familial hemophagocytic lymphohistiocytosis 3. Last evaluated: 2026-02-02. Review status: criteria provided, single submitter. Criteria: Invitae Variant Classification Sherloc (09022015). Collection method: clinical testing. Allele origin: germline.

Illumina Laboratory Services, Illumina
Classification: Likely benign for Familial hemophagocytic lymphohistiocytosis 3. Last evaluated: 2018-01-13. Review status: criteria provided, single submitter. Criteria: ICSL Variant Classification Criteria 13 December 2019. Collection method: clinical testing. Allele origin: germline.
Comment: This variant was observed in the ICSL laboratory as part of a predisposition screen in an ostensibly healthy population. It had not been previously curated by ICSL or reported in the Human Gene Mutation Database (HGMD: prior to June 1st, 2018), and was therefore a candidate for classification through an automated scoring system. Utilizing variant allele frequency, disease prevalence and penetrance estimates, and inheritance mode, an automated score was calculated to assess if this variant is too frequent to cause the disease. Based on the score and internal cut-off values, a variant classified as likely benign is not then subjected to further curation. The score for this variant resulted in a classification of likely benign for this disease.

Breakthrough Genomics
Classification: Likely benign. Review status: criteria provided, single submitter. Criteria: ACMG Guidelines, 2015. Collection method: not provided. Allele origin: germline. Inheritance: Autosomal recessive inheritance. Affected: yes.

PreventionGenetics, part of Exact Sciences
Classification: Benign. Review status: criteria provided, single submitter. Criteria: ACMG Guidelines, 2015. Collection method: clinical testing. Allele origin: germline.

NM_199242.3(UNC13D):c.2298+15C>T

Gene: UNC13D (unc-13 homolog D; minus strand). Cytogenetic location: 17q25.1.
Variant type: single nucleotide variant.
Coding change: c.2298+15C>T on transcript NM_199242.3 (MANE Select); 15 bases into the intron after coding-DNA position 2298, C replaced by T.
Molecular consequence: intron variant.
Genome position (GRCh38, 1-based): chr17:75,834,310, G>A on the plus strand (C>T on the coding strand, the complement: UNC13D is on the minus strand). VCF-style: chr17-75834310-G-A. GRCh37 (hg19) VCF-style: chr17-73830391-G-A.
Identifiers: ClinVar variation 263224 (VCV000263224.15), dbSNP rs112341334, ClinGen allele CA8772614.